The following is an entry in ClinVar:

NM_001283009.2(RTEL1):c.422G>C (p.Arg141Pro)

Genes: RTEL1 (regulator of telomere elongation helicase 1; plus strand), RTEL1-TNFRSF6B (RTEL1-TNFRSF6B readthrough (NMD candidate); plus strand). Cytogenetic location: 20q13.33.
Variant type: single nucleotide variant.
Coding change: c.422G>C on transcript NM_001283009.2 (MANE Select); coding-DNA position 422, G replaced by C.
Protein change: p.Arg141Pro; replaces arginine 141 with proline.
Molecular consequence: missense variant. On other transcripts: non-coding transcript variant (1), 5 prime UTR variant (1).
Genome position (GRCh38, 1-based): chr20:63,662,572, G>C. VCF-style: chr20-63662572-G-C. GRCh37 (hg19) VCF-style: chr20-62293925-G-C.
Other names: c.-248G>C (NM_001283010.1); c.422G>C, p.Arg141Pro (NM_016434.4); c.494G>C, p.Arg165Pro (NM_032957.5); short protein forms R141P, R165P.
Identifiers: ClinVar variation 3948369 (VCV003948369.1).

ClinVar aggregate classification (germline): Uncertain significance (1 of 4 stars; one submission).

Conditions:
Inborn genetic diseases. Identifiers: MedGen C0950123, MeSH D030342.

Submission:

Ambry Genetics
Classification: Uncertain significance for Inborn genetic diseases. Last evaluated: 2025-05-05. Review status: criteria provided, single submitter. Criteria: Ambry Variant Classification Scheme 2023. Collection method: clinical testing. Allele origin: germline.
Comment: The p.R141P variant (also known as c.422G>C), located in coding exon 4 of the RTEL1 gene, results from a G to C substitution at nucleotide position 422. The arginine at codon 141 is replaced by proline, an amino acid with dissimilar properties. This amino acid position is conserved. In addition, this alteration is predicted to be deleterious by in silico analysis. Based on the available evidence, the clinical significance of this variant remains unclear.